The following is an entry in ClinVar:

NM_005045.4(RELN):c.2843T>G (p.Val948Gly)

Gene: RELN (reelin; minus strand). Cytogenetic location: 7q22.1.
Variant type: single nucleotide variant.
Coding change: c.2843T>G on transcript NM_005045.4 (MANE Select); coding-DNA position 2843, T replaced by G.
Protein change: p.Val948Gly; replaces valine 948 with glycine.
Molecular consequence: missense variant.
Genome position (GRCh38, 1-based): chr7:103,611,663, A>C on the plus strand (T>G on the coding strand, the complement: RELN is on the minus strand). VCF-style: chr7-103611663-A-C. GRCh37 (hg19) VCF-style: chr7-103252110-A-C.
Other names: c.2843T>G, p.Val948Gly (NM_173054.3); short protein forms V948G.
Identifiers: ClinVar variation 3313586 (VCV003313586.2).

ClinVar aggregate classification (germline): Uncertain significance. Review status: criteria provided, single submitter (1 of 4 stars). 2 submissions from 2 submitters: Uncertain significance (1). 1 of the submissions does not count toward it. Last evaluated 2024-03-29.

Conditions:
Inborn genetic diseases. Identifiers: MedGen C0950123, MeSH D030342.
RELN-related disorder. Also called: RELN-related condition.

Submissions (2):

Ambry Genetics
Classification: Uncertain significance for Inborn genetic diseases. Last evaluated: 2024-03-29. Review status: criteria provided, single submitter. Criteria: Ambry Variant Classification Scheme 2023. Collection method: clinical testing. Allele origin: germline.

PreventionGenetics, part of Exact Sciences
Classification: Uncertain significance for RELN-related condition. Last evaluated: 2024-07-31. Review status: no assertion criteria provided. Collection method: clinical testing. Allele origin: germline. Not counted in ClinVar's aggregate classification.
Comment: The RELN c.2843T>G variant is predicted to result in the amino acid substitution p.Val948Gly. To our knowledge, this variant has not been reported in the literature or in a large population database, indicating this variant is rare. At this time, the clinical significance of this variant is uncertain due to the absence of conclusive functional and genetic evidence.